The following is an entry in ClinVar:

NM_000070.3(CAPN3):c.-104G>C

Gene: CAPN3 (calpain 3; plus strand). Cytogenetic location: 15q15.1.
Variant type: single nucleotide variant.
Coding change: c.-104G>C on transcript NM_000070.3 (MANE Select); 104 bases upstream of the start codon, G replaced by C.
Molecular consequence: 5 prime UTR variant.
Genome position (GRCh38, 1-based): chr15:42,359,702, G>C. VCF-style: chr15-42359702-G-C. GRCh37 (hg19) VCF-style: chr15-42651900-G-C.
Other names: c.-104G>C (NM_024344.2, NM_173087.2).
Identifiers: ClinVar variation 315890 (VCV000315890.10), dbSNP rs149698681, ClinGen allele CA10641815.

ClinVar aggregate classification (germline): Conflicting classifications of pathogenicity. Review status: criteria provided, conflicting classifications (1 of 4 stars). 3 submissions from 3 submitters: Uncertain significance (2); Likely benign (1). Last evaluated 2021-05-18.

Conditions:
Autosomal recessive limb-girdle muscular dystrophy type 2A (LGMDR1). Also called: LEYDEN-MOEBIUS MUSCULAR DYSTROPHY; MUSCULAR DYSTROPHY, PELVOFEMORAL; Limb-girdle muscular dystrophy, type 2A; Muscular dystrophy, limb-girdle, type 2A, Amish; Calpainopathy. Identifiers: Orphanet 267, MedGen C1869123, MONDO:0009675, OMIM 253600. Disease mechanism: loss of function.

Allele frequency attached by ClinVar (database versions not stated): 1000 Genomes Project 0.00579; 1000 Genomes Project 30x 0.00593; TOPMed 0.01162; gnomAD 0.01237 and 0.01241; gnomAD exomes 0.01767.
gnomAD v4.1: 27,155 of 1,585,770 alleles (1.7%); highest among the groups gnomAD compares: Non-Finnish European, 2%; 277 homozygotes.

Submissions (3):

Genome-Nilou Lab
Classification: Uncertain significance for Autosomal recessive limb-girdle muscular dystrophy type 2A. Last evaluated: 2021-05-18. Review status: criteria provided, single submitter. Criteria: ACMG Guidelines, 2015. Collection method: clinical testing. Allele origin: germline. Affected: no.

GeneDx
Classification: Likely benign. Last evaluated: 2018-06-19. Review status: criteria provided, single submitter. Criteria: GeneDx Variant Classification (06012015). Collection method: clinical testing. Allele origin: germline. Affected: yes.
Comment: This variant is considered likely benign or benign based on one or more of the following criteria: it is a conservative change, it occurs at a poorly conserved position in the protein, it is predicted to be benign by multiple in silico algorithms, and/or has population frequency not consistent with disease.

Illumina Laboratory Services, Illumina
Classification: Uncertain significance for Limb-girdle muscular dystrophy, type 2A. Last evaluated: 2018-01-13. Review status: criteria provided, single submitter. Criteria: ICSL Variant Classification Criteria 13 December 2019. Collection method: clinical testing. Allele origin: germline.